The following is an entry in ClinVar:

ClinVar aggregate classification (germline): Uncertain significance. Review status: criteria provided, multiple submitters, no conflicts (2 of 4 stars). 2 submissions from 2 submitters: Uncertain significance (2). Last evaluated 2023-07-12.

Conditions:
Inborn genetic diseases. Identifiers: MedGen C0950123, MeSH D030342.
RYR1-related disorder. Also called: RYR1-related condition; RYR1-related disorders. Identifiers: MedGen CN239331.

gnomAD v4.1: 1 of 999,438 alleles (0.0001%); highest among the groups gnomAD compares: Non-Finnish European, 0.00012%; no homozygotes.

Submissions (2):

Ambry Genetics
Classification: Uncertain significance for Inborn genetic diseases. Last evaluated: 2023-07-12. Review status: criteria provided, single submitter. Criteria: Ambry Variant Classification Scheme 2023. Collection method: clinical testing. Allele origin: germline.

Labcorp Genetics (formerly Invitae), Labcorp
Classification: Uncertain significance for RYR1-related disorder. Last evaluated: 2022-06-11. Review status: criteria provided, single submitter. Criteria: Invitae Variant Classification Sherloc (09022015). Collection method: clinical testing. Allele origin: germline.
Comment: This sequence change replaces arginine, which is basic and polar, with leucine, which is neutral and non-polar, at codon 4315 of the RYR1 protein (p.Arg4315Leu). This variant is not present in population databases (gnomAD no frequency). This variant has not been reported in the literature in individuals affected with RYR1-related conditions. Advanced modeling of protein sequence and biophysical properties (such as structural, functional, and spatial information, amino acid conservation, physicochemical variation, residue mobility, and thermodynamic stability) performed at Invitae indicates that this missense variant is not expected to disrupt RYR1 protein function. In summary, the available evidence is currently insufficient to determine the role of this variant in disease. Therefore, it has been classified as a Variant of Uncertain Significance.

NM_000540.3(RYR1):c.12944G>T (p.Arg4315Leu)

Gene: RYR1 (ryanodine receptor 1; plus strand). Cytogenetic location: 19q13.2.
Variant type: single nucleotide variant.
Coding change: c.12944G>T on transcript NM_000540.3 (MANE Select); coding-DNA position 12944, G replaced by T.
Protein change: p.Arg4315Leu; replaces arginine 4315 with leucine.
Molecular consequence: missense variant.
Genome position (GRCh38, 1-based): chr19:38,565,278, G>T. VCF-style: chr19-38565278-G-T. GRCh37 (hg19) VCF-style: chr19-39055918-G-T.
Other names: c.12929G>T, p.Arg4310Leu (NM_001042723.2); c.12944G>T (NM_000540.2); short protein forms R4310L, R4315L.
Identifiers: ClinVar variation 1422635 (VCV001422635.6), dbSNP rs1013126996, ClinGen allele CA405672687.
Genomic context (GRCh38, chr19:38,565,278, plus strand): 5'-CGCGGGTTGTGGCGGCCGCAGGCCGGGCCCTGCGAGGCCTCAGCTACCGCAGCCTGCGGC[G>T]GCGCGTGCGGCGGCTGCGGCGGCTTACGGCCCGCGAGGCGGCCACCGCAGTGGCGGCGCT-3'
Protein context (NP_000531.2, residues 4305-4325): LRGLSYRSLR[Arg4315Leu]RVRRLRRLTA